The following is an entry in ClinVar:

ClinVar aggregate classification (germline): Uncertain significance (1 of 4 stars; one submission).

Allele frequency attached by ClinVar (database versions not stated): gnomAD exomes below 0.00001 and 0.00001; ExAC 0.00002; gnomAD 0.00005; TOPMed 0.00006.
gnomAD v4.1: 12 of 1,613,914 alleles (0.00074%); highest among the groups gnomAD compares: African/African-American, 0.016%; no homozygotes.

Submission:

Labcorp Genetics (formerly Invitae), Labcorp
Classification: Uncertain significance. Last evaluated: 2025-03-31. Review status: criteria provided, single submitter. Criteria: Invitae Variant Classification Sherloc (09022015). Collection method: clinical testing. Allele origin: germline.
Comment: This sequence change replaces threonine, which is neutral and polar, with lysine, which is basic and polar, at codon 120 of the KIAA1549 protein (p.Thr120Lys). This variant is present in population databases (rs764738621, gnomAD 0.01%). This variant has not been reported in the literature in individuals affected with KIAA1549-related conditions. ClinVar contains an entry for this variant (Variation ID: 960513). An algorithm developed to predict the effect of missense changes on protein structure and function (PolyPhen-2) suggests that this variant is likely to be tolerated. In summary, the available evidence is currently insufficient to determine the role of this variant in disease. Therefore, it has been classified as a Variant of Uncertain Significance.

NM_001164665.2(KIAA1549):c.359C>A (p.Thr120Lys)

Gene: KIAA1549 (KIAA1549; minus strand). Cytogenetic location: 7q34.
Variant type: single nucleotide variant.
Coding change: c.359C>A on transcript NM_001164665.2 (MANE Select); coding-DNA position 359, C replaced by A.
Protein change: p.Thr120Lys; replaces threonine 120 with lysine.
Molecular consequence: missense variant.
Genome position (GRCh38, 1-based): chr7:138,919,267, G>T on the plus strand (C>A on the coding strand, the complement: KIAA1549 is on the minus strand). VCF-style: chr7-138919267-G-T. GRCh37 (hg19) VCF-style: chr7-138604013-G-T.
Other names: c.359C>A, p.Thr120Lys (NM_020910.3); short protein forms T120K.
Identifiers: ClinVar variation 960513 (VCV000960513.7), dbSNP rs764738621, ClinGen allele CA4506963.